The following is an entry in ClinVar:

ClinVar aggregate classification (germline): Uncertain significance (1 of 4 stars; one submission).

gnomAD v4.1: 6 of 1,614,076 alleles (0.00037%); highest among the groups gnomAD compares: Non-Finnish European, 0.00051%; no homozygotes.

Submission:

Labcorp Genetics (formerly Invitae), Labcorp
Classification: Uncertain significance. Last evaluated: 2025-12-29. Review status: criteria provided, single submitter. Criteria: Invitae Variant Classification Sherloc (09022015). Collection method: clinical testing. Allele origin: germline.
Comment: This sequence change replaces arginine, which is basic and polar, with proline, which is neutral and non-polar, at codon 325 of the TFRC protein (p.Arg325Pro). This variant is present in population databases (rs200128950, gnomAD 0.0009%). This variant has not been reported in the literature in individuals affected with TFRC-related conditions. Invitae Evidence Modeling of protein sequence and biophysical properties (such as structural, functional, and spatial information, amino acid conservation, physicochemical variation, residue mobility, and thermodynamic stability) indicates that this missense variant is not expected to disrupt TFRC protein function with a negative predictive value of 80%. In summary, the available evidence is currently insufficient to determine the role of this variant in disease. Therefore, it has been classified as a Variant of Uncertain Significance.

NM_001128148.3(TFRC):c.974G>C (p.Arg325Pro)

Gene: TFRC (transferrin receptor; minus strand). Cytogenetic location: 3q29.
Variant type: single nucleotide variant.
Coding change: c.974G>C on transcript NM_001128148.3 (MANE Select); coding-DNA position 974, G replaced by C.
Protein change: p.Arg325Pro; replaces arginine 325 with proline.
Molecular consequence: missense variant.
Genome position (GRCh38, 1-based): chr3:196,067,584, C>G on the plus strand (G>C on the coding strand, the complement: TFRC is on the minus strand). VCF-style: chr3-196067584-C-G. GRCh37 (hg19) VCF-style: chr3-195794455-C-G.
Other names: c.731G>C, p.Arg244Pro (NM_001313965.2); c.128G>C, p.Arg43Pro (NM_001313966.2); c.974G>C, p.Arg325Pro (NM_003234.4); short protein forms R325P, R244P, R43P.
Identifiers: ClinVar variation 4777524 (VCV004777524.1).